The following is an entry in ClinVar:

NM_000368.5(TSC1):c.312G>C (p.Lys104Asn)

Gene: TSC1 (TSC complex subunit 1; minus strand). Cytogenetic location: 9q34.13.
Variant type: single nucleotide variant.
Coding change: c.312G>C on transcript NM_000368.5 (MANE Select); coding-DNA position 312, G replaced by C.
Protein change: p.Lys104Asn; replaces lysine 104 with asparagine.
Molecular consequence: missense variant. On other transcripts: 5 prime UTR variant (18), non-coding transcript variant (5), intron variant (5).
Genome position (GRCh38, 1-based): chr9:132,925,638, C>G on the plus strand (G>C on the coding strand, the complement: TSC1 is on the minus strand). VCF-style: chr9-132925638-C-G. GRCh37 (hg19) VCF-style: chr9-135801025-C-G.
Other names: c.312G>C, p.Lys104Asn (NM_001162426.2, NM_001406592.1, NM_001406593.1 and 16 more transcripts); c.-52G>C (NM_001362177.2, NM_001406617.1, NM_001406618.1 and 5 more transcripts); c.210+1563G>C (NM_001406613.1, NM_001406612.1, NM_001406610.1 and 2 more transcripts); c.-144G>C (NM_001406614.1, NM_001406616.1, NM_001406624.1); c.-177G>C (NM_001406615.1, NM_001406623.1); c.-566G>C (NM_001406626.1, NM_001406627.1, NM_001406628.1); c.-708G>C (NM_001406629.1); c.-782G>C (NM_001406630.1); short protein forms K104N.
Identifiers: ClinVar variation 4844224 (VCV004844224.1).

ClinVar aggregate classification (germline): Uncertain significance (1 of 4 stars; one submission).

Conditions:
Hereditary cancer-predisposing syndrome. Also called: Neoplastic Syndromes, Hereditary; Tumor predisposition; Hereditary Cancer Syndrome; Hereditary neoplastic syndrome. Identifiers: Orphanet 140162, MedGen C0027672, MeSH D009386, MONDO:0015356.

Submission:

Ambry Genetics
Classification: Uncertain significance for Hereditary cancer-predisposing syndrome. Last evaluated: 2026-01-22. Review status: criteria provided, single submitter. Criteria: Ambry Variant Classification Scheme 2023. Collection method: clinical testing. Allele origin: germline.
Comment: The p.K104N variant (also known as c.312G>C), located in coding exon 3 of the TSC1 gene, results from a G to C substitution at nucleotide position 312. The lysine at codon 104 is replaced by asparagine, an amino acid with similar properties. This amino acid position is conserved. In addition, the in silico prediction for this alteration is inconclusive. Based on the available evidence, the clinical significance of this variant remains unclear.